The following is an entry in ClinVar:

ClinVar aggregate classification (germline): Uncertain significance (1 of 4 stars; one submission).

Allele frequency attached by ClinVar (database versions not stated): gnomAD exomes below 0.00001; TOPMed below 0.00001; gnomAD 0.00001.
gnomAD v4.1: 2 of 1,613,958 alleles (0.00012%); highest among the groups gnomAD compares: African/African-American, 0.0013%; no homozygotes.

Submission:

Labcorp Genetics (formerly Invitae), Labcorp
Classification: Uncertain significance. Last evaluated: 2023-03-08. Review status: criteria provided, single submitter. Criteria: Invitae Variant Classification Sherloc (09022015). Collection method: clinical testing. Allele origin: germline.
Comment: In summary, the available evidence is currently insufficient to determine the role of this variant in disease. Therefore, it has been classified as a Variant of Uncertain Significance. An algorithm developed to predict the effect of missense changes on protein structure and function (PolyPhen-2) suggests that this variant is likely to be tolerated. This variant has not been reported in the literature in individuals affected with VCAN-related conditions. This variant is present in population databases (no rsID available, gnomAD 0.0009%). This sequence change replaces glutamine, which is neutral and polar, with arginine, which is basic and polar, at codon 1835 of the VCAN protein (p.Gln1835Arg).

NM_004385.5(VCAN):c.5504A>G (p.Gln1835Arg)

Genes: VCAN (versican; plus strand), VCAN-AS1 (VCAN antisense RNA 1; minus strand). Cytogenetic location: 5q14.3.
Variant type: single nucleotide variant.
Coding change: c.5504A>G on transcript NM_004385.5 (MANE Select); coding-DNA position 5504, A replaced by G.
Protein change: p.Gln1835Arg; replaces glutamine 1835 with arginine.
Molecular consequence: missense variant. On other transcripts: intron variant (2).
Genome position (GRCh38, 1-based): chr5:83,538,507, A>G. VCF-style: chr5-83538507-A-G. GRCh37 (hg19) VCF-style: chr5-82834326-A-G.
Other names: c.2543A>G, p.Gln848Arg (NM_001164097.2); c.4004-7030A>G (NM_001164098.2); c.1043-7030A>G (NM_001126336.3); short protein forms Q848R, Q1835R.
Identifiers: ClinVar variation 2836447 (VCV002836447.3), dbSNP rs1382670916, ClinGen allele CA360310552.